The following is an entry in ClinVar:

NM_005219.5(DIAPH1):c.2606T>C (p.Met869Thr)

Gene: DIAPH1 (diaphanous related formin 1; minus strand). Cytogenetic location: 5q31.3.
Variant type: single nucleotide variant.
Coding change: c.2606T>C on transcript NM_005219.5 (MANE Select); coding-DNA position 2606, T replaced by C.
Protein change: p.Met869Thr; replaces methionine 869 with threonine.
Molecular consequence: missense variant.
Genome position (GRCh38, 1-based): chr5:141,529,673, A>G on the plus strand (T>C on the coding strand, the complement: DIAPH1 is on the minus strand). VCF-style: chr5-141529673-A-G. GRCh37 (hg19) VCF-style: chr5-140909240-A-G.
Other names: c.2579T>C, p.Met860Thr (NM_001079812.3); c.2606T>C, p.Met869Thr (NM_001314007.2); short protein forms M869T, M860T.
Identifiers: ClinVar variation 2935924 (VCV002935924.3), dbSNP rs2099887906, ClinGen allele CA361586575.
Genomic context (GRCh38, chr5:141,529,673, plus strand): 5'-GACTCAGTCAGAACAGCCTCATTCACCTCCAGGATGACATTCTTAATCTCTTGATAGGGC[A>G]TGCGGAAGGAACCCAAAAAGATTGCTGCCAGAAAATGAGATATTAAGACATGTTCTTCTC-3'
Protein context (NP_005210.3, residues 859-879): NLSIFLGSFR[Met869Thr]PYQEIKNVIL

ClinVar aggregate classification (germline): Uncertain significance (1 of 4 stars; one submission).

Conditions:
Progressive microcephaly-seizures-cortical blindness-developmental delay syndrome. Also called: Seizures, cortical blindness, and microcephaly syndrome. Identifiers: Orphanet 477814, MedGen C5567650, MONDO:0014714, OMIM 616632.
Autosomal dominant nonsyndromic hearing loss 1. Also called: KONIGSMARK SYNDROME; DEAFNESS, AUTOSOMAL DOMINANT 1, WITH OR WITHOUT THROMBOCYTOPENIA. Identifiers: Orphanet 90635, MedGen C1852282, MONDO:0007424, OMIM 124900.

Allele frequency attached by ClinVar (database versions not stated): TOPMed 0.00001.
gnomAD v4.1: 2 of 1,614,162 alleles (0.00012%); no homozygotes.

Submission:

Labcorp Genetics (formerly Invitae), Labcorp
Classification: Uncertain significance for Progressive microcephaly-seizures-cortical blindness-developmental delay syndrome; Autosomal dominant nonsyndromic hearing loss 1. Last evaluated: 2024-12-10. Review status: criteria provided, single submitter. Criteria: Invitae Variant Classification Sherloc (09022015). Collection method: clinical testing. Allele origin: germline.
Comment: This sequence change replaces methionine, which is neutral and non-polar, with threonine, which is neutral and polar, at codon 869 of the DIAPH1 protein (p.Met869Thr). This variant is not present in population databases (gnomAD no frequency). This variant has not been reported in the literature in individuals affected with DIAPH1-related conditions. ClinVar contains an entry for this variant (Variation ID: 2935924). An algorithm developed to predict the effect of missense changes on protein structure and function (PolyPhen-2) suggests that this variant is likely to be disruptive. In summary, the available evidence is currently insufficient to determine the role of this variant in disease. Therefore, it has been classified as a Variant of Uncertain Significance.